The following is an entry in ClinVar:

NM_001376.5(DYNC1H1):c.10413+16T>C

Gene: DYNC1H1 (dynein cytoplasmic 1 heavy chain 1; plus strand). Cytogenetic location: 14q32.31.
Variant type: single nucleotide variant.
Coding change: c.10413+16T>C on transcript NM_001376.5 (MANE Select); 16 bases into the intron after coding-DNA position 10413, T replaced by C.
Molecular consequence: intron variant.
Genome position (GRCh38, 1-based): chr14:102,033,500, T>C. VCF-style: chr14-102033500-T-C. GRCh37 (hg19) VCF-style: chr14-102499837-T-C.
Identifiers: ClinVar variation 392959 (VCV000392959.9), dbSNP rs769305587, ClinGen allele CA7353402.

ClinVar aggregate classification (germline): Likely benign. Review status: criteria provided, multiple submitters, no conflicts (2 of 4 stars). 3 submissions from 3 submitters: Likely benign (3). Last evaluated 2025-09-17.

Conditions:
Charcot-Marie-Tooth disease axonal type 2O. Also called: CHARCOT-MARIE-TOOTH NEUROPATHY, AXONAL, TYPE 2O; CHARCOT-MARIE-TOOTH DISEASE, AXONAL, AUTOSOMAL DOMINANT, TYPE 2O; Charcot-Marie-Tooth Neuropathy Type 2O; Charcot-Marie-Tooth disease, axonal, type 20. Identifiers: Orphanet 284232, MedGen C3280220, MONDO:0013644, OMIM 614228.

Allele frequency attached by ClinVar (database versions not stated): gnomAD 0.00001; gnomAD exomes 0.00001 and 0.00002; TOPMed 0.00001; ExAC 0.00002.
gnomAD v4.1: 29 of 1,613,566 alleles (0.0018%); highest among the groups gnomAD compares: Non-Finnish European, 0.0021%; no homozygotes.

Submissions (3):

Labcorp Genetics (formerly Invitae), Labcorp
Classification: Likely benign for Charcot-Marie-Tooth disease axonal type 2O. Last evaluated: 2025-09-17. Review status: criteria provided, single submitter. Criteria: Invitae Variant Classification Sherloc (09022015). Collection method: clinical testing. Allele origin: germline.

Blueprint Genetics
Classification: Likely benign. Last evaluated: 2023-03-21. Review status: criteria provided, single submitter. Criteria: ACMG Guidelines, 2015. Collection method: clinical testing. Allele origin: germline.

GeneDx
Classification: Likely benign. Last evaluated: 2017-01-17. Review status: criteria provided, single submitter. Criteria: GeneDx Variant Classification (06012015). Collection method: clinical testing. Allele origin: germline. Affected: yes.
Comment: This variant is considered likely benign or benign based on one or more of the following criteria: it is a conservative change, it occurs at a poorly conserved position in the protein, it is predicted to be benign by multiple in silico algorithms, and/or has population frequency not consistent with disease.